The following is an entry in ClinVar:

ClinVar aggregate classification (germline): Uncertain significance. Review status: criteria provided, multiple submitters, no conflicts (2 of 4 stars). 2 submissions from 2 submitters: Uncertain significance (2). Last evaluated 2025-08-03.

Allele frequency attached by ClinVar (database versions not stated): ExAC 0.00002; TOPMed 0.00004; gnomAD exomes 0.00001; gnomAD 0.00003 and 0.00002; ESP Exome Variant Server 0.00008.

Submissions (2):

Labcorp Genetics (formerly Invitae), Labcorp
Classification: Uncertain significance. Last evaluated: 2025-08-03. Review status: criteria provided, single submitter. Criteria: Invitae Variant Classification Sherloc (09022015). Collection method: clinical testing. Allele origin: germline.
Comment: This sequence change replaces asparagine, which is neutral and polar, with isoleucine, which is neutral and non-polar, at codon 519 of the CCT2 protein (p.Asn519Ile). This variant is present in population databases (rs375359104, gnomAD 0.007%). This variant has not been reported in the literature in individuals affected with CCT2-related conditions. ClinVar contains an entry for this variant (Variation ID: 1379335). An algorithm developed to predict the effect of missense changes on protein structure and function (PolyPhen-2) suggests that this variant is likely to be tolerated. In summary, the available evidence is currently insufficient to determine the role of this variant in disease. Therefore, it has been classified as a Variant of Uncertain Significance.

Ambry Genetics
Classification: Uncertain significance. Last evaluated: 2022-10-04. Review status: criteria provided, single submitter. Criteria: Ambry Variant Classification Scheme 2023. Collection method: clinical testing. Allele origin: germline.

NM_006431.3(CCT2):c.1556A>T (p.Asn519Ile)

Gene: CCT2 (chaperonin containing TCP1 subunit 2; plus strand). Cytogenetic location: 12q15.
Variant type: single nucleotide variant.
Coding change: c.1556A>T on transcript NM_006431.3 (MANE Select); coding-DNA position 1556, A replaced by T.
Protein change: p.Asn519Ile; replaces asparagine 519 with isoleucine.
Molecular consequence: missense variant.
Genome position (GRCh38, 1-based): chr12:69,599,983, A>T. VCF-style: chr12-69599983-A-T. GRCh37 (hg19) VCF-style: chr12-69993763-A-T.
Other names: c.1415A>T, p.Asn472Ile (NM_001198842.2); c.1556A>T (NM_006431.2); short protein forms N472I, N519I.
Identifiers: ClinVar variation 1379335 (VCV001379335.7), dbSNP rs375359104, ClinGen allele CA6680904.